The following is an entry in ClinVar:

ClinVar aggregate classification (germline): Uncertain significance. Review status: criteria provided, multiple submitters, no conflicts (2 of 4 stars). 7 submissions from 7 submitters: Uncertain significance (6). 1 of the submissions does not count toward it. Last evaluated 2026-04-11.

Conditions:
Marfan syndrome (MFS). Also called: FBN1-Related Marfan Syndrome; MARFAN SYNDROME, TYPE I; Marfan syndrome type 1; Marfan's syndrome; Marfan syndrome, classic. Identifiers: Orphanet 284963, Orphanet 558, MedGen C0024796, MONDO:0007947, OMIM 154700.
Familial thoracic aortic aneurysm and aortic dissection (TAAD). Also called: Thoracic aortic aneurysms and dissections. Identifiers: Orphanet 91387, MedGen C4707243, MONDO:0019625.
FBN1-related disorder. Also called: FBN1-related disorders.

Allele frequency attached by ClinVar (database versions not stated): gnomAD 0.00001; TOPMed 0.00001.
gnomAD v4.1: 11 of 1,613,640 alleles (0.00068%); highest among the groups gnomAD compares: African/African-American, 0.0027%; no homozygotes.

Submissions (7):

Ambry Genetics
Classification: Uncertain significance for Familial thoracic aortic aneurysm and aortic dissection. Last evaluated: 2026-04-11. Review status: criteria provided, single submitter. Criteria: Ambry Variant Classification Scheme 2023. Collection method: clinical testing. Allele origin: germline.
Comment: The p.A1271T variant (also known as c.3811G>A), located in coding exon 30 of the FBN1 gene, results from a G to A substitution at nucleotide position 3811. The alanine at codon 1271 is replaced by threonine, an amino acid with similar properties. This amino acid position is conserved. In addition, this alteration is predicted to be tolerated by in silico analysis. Based on the available evidence, the clinical significance of this variant remains unclear.

Color Diagnostics, LLC DBA Color Health
Classification: Uncertain significance for Familial thoracic aortic aneurysm and aortic dissection. Last evaluated: 2025-09-18. Review status: criteria provided, single submitter. Criteria: ACMG Guidelines, 2015. Collection method: clinical testing. Allele origin: germline.
Comment: This missense variant replaces alanine with threonine at codon 1271 of the FBN1 protein. Computational prediction suggests that this variant may not impact protein structure and function. To our knowledge, functional studies have not been reported for this variant. This variant has not been reported in individuals affected with FBN1-related disorders in the literature. This variant has not been identified in the general population by the Genome Aggregation Database (gnomAD). The available evidence is insufficient to determine the role of this variant in disease conclusively. Therefore, this variant is classified as a Variant of Uncertain Significance.

Women's Health and Genetics/Laboratory Corporation of America, LabCorp
Classification: Uncertain significance. Last evaluated: 2024-09-09. Review status: criteria provided, single submitter. Criteria: LabCorp Variant Classification Summary - May 2015. Collection method: clinical testing. Allele origin: germline.
Comment: Variant summary: FBN1 c.3811G>A (p.Ala1271Thr) results in a non-conservative amino acid change located in the EGF-like domain (IPR000742) of the encoded protein sequence. Three of five in-silico tools predict a benign effect of the variant on protein function. The variant was absent in 251146 control chromosomes. The available data on variant occurrences in the general population are insufficient to allow any conclusion about variant significance. To our knowledge, no occurrence of c.3811G>A in individuals affected with Marfan Syndrome and no experimental evidence demonstrating its impact on protein function have been reported. ClinVar contains an entry for this variant (Variation ID: 1005680). Based on the evidence outlined above, the variant was classified as uncertain significance.

All of Us Research Program, National Institutes of Health
Classification: Uncertain significance for Marfan syndrome. Last evaluated: 2023-12-01. Review status: criteria provided, single submitter. Criteria: ACMG Guidelines, 2015. Collection method: clinical testing. Allele origin: germline. Inheritance: Autosomal dominant inheritance. Observed: 1 variant allele, 1 heterozygote.
Comment: This study involves interpretation of variants in research participants for the purpose of population health screening. Participant phenotype was not available at the time of variant classification. Additional details can be found in publication PMID: 35346344, PMCID: PMC8962531

Labcorp Genetics (formerly Invitae), Labcorp
Classification: Uncertain significance for Marfan syndrome; Familial thoracic aortic aneurysm and aortic dissection. Last evaluated: 2023-08-17. Review status: criteria provided, single submitter. Criteria: Invitae Variant Classification Sherloc (09022015). Collection method: clinical testing. Allele origin: germline.
Comment: This variant is not present in population databases (gnomAD no frequency). This variant has not been reported in the literature in individuals affected with FBN1-related conditions. ClinVar contains an entry for this variant (Variation ID: 1005680). Advanced modeling of protein sequence and biophysical properties (such as structural, functional, and spatial information, amino acid conservation, physicochemical variation, residue mobility, and thermodynamic stability) performed at Invitae indicates that this missense variant is not expected to disrupt FBN1 protein function. In summary, the available evidence is currently insufficient to determine the role of this variant in disease. Therefore, it has been classified as a Variant of Uncertain Significance. This sequence change replaces alanine, which is neutral and non-polar, with threonine, which is neutral and polar, at codon 1271 of the FBN1 protein (p.Ala1271Thr).

Blueprint Genetics
Classification: Uncertain significance. Last evaluated: 2020-11-16. Review status: criteria provided, single submitter. Criteria: ACMG Guidelines, 2015. Collection method: clinical testing. Allele origin: germline.

PreventionGenetics, part of Exact Sciences
Classification: Uncertain significance for FBN1-related condition. Last evaluated: 2024-04-09. Review status: no assertion criteria provided. Collection method: clinical testing. Allele origin: germline. Not counted in ClinVar's aggregate classification.
Comment: The FBN1 c.3811G>A variant is predicted to result in the amino acid substitution p.Ala1271Thr. To our knowledge, this variant has not been reported in the literature or in a large population database, indicating this variant is rare. At this time, the clinical significance of this variant is uncertain due to the absence of conclusive functional and genetic evidence.

NM_000138.5(FBN1):c.3811G>A (p.Ala1271Thr)

Gene: FBN1 (fibrillin 1; minus strand). Cytogenetic location: 15q21.1.
Variant type: single nucleotide variant.
Coding change: c.3811G>A on transcript NM_000138.5 (MANE Select); coding-DNA position 3811, G replaced by A.
Protein change: p.Ala1271Thr; replaces alanine 1271 with threonine.
Molecular consequence: missense variant.
Genome position (GRCh38, 1-based): chr15:48,483,845, C>T on the plus strand (G>A on the coding strand, the complement: FBN1 is on the minus strand). VCF-style: chr15-48483845-C-T. GRCh37 (hg19) VCF-style: chr15-48776042-C-T.
Other names: c.3811G>A (NM_000138.4); short protein forms A1271T.
Identifiers: ClinVar variation 1005680 (VCV001005680.14), dbSNP rs993279983, ClinGen allele CA269525999.